The following is an entry in ClinVar:

ClinVar aggregate classification (germline): Uncertain significance. Review status: criteria provided, multiple submitters, no conflicts (2 of 4 stars). 2 submissions from 2 submitters: Uncertain significance (2). Last evaluated 2025-06-20.

Conditions:
Fanconi anemia (FA). Also called: Fanconi's anemia. Identifiers: Orphanet 84, MedGen C0015625, MeSH D005199, MONDO:0019391.
Inborn genetic diseases. Identifiers: MedGen C0950123, MeSH D030342.

Submissions (2):

Ambry Genetics
Classification: Uncertain significance for Inborn genetic diseases. Last evaluated: 2025-06-20. Review status: criteria provided, single submitter. Criteria: Ambry Variant Classification Scheme 2023. Collection method: clinical testing. Allele origin: germline.
Comment: The p.E648K variant (also known as c.1942G>A), located in coding exon 11 of the FANCM gene, results from a G to A substitution at nucleotide position 1942. The glutamic acid at codon 648 is replaced by lysine, an amino acid with similar properties. This amino acid position is conserved. In addition, this alteration is predicted to be tolerated by in silico analysis. Based on the available evidence, the clinical significance of this variant remains unclear.

Labcorp Genetics (formerly Invitae), Labcorp
Classification: Uncertain significance for Fanconi anemia. Last evaluated: 2021-06-07. Review status: criteria provided, single submitter. Criteria: Invitae Variant Classification Sherloc (09022015). Collection method: clinical testing. Allele origin: germline.
Comment: In summary, the available evidence is currently insufficient to determine the role of this variant in disease. Therefore, it has been classified as a Variant of Uncertain Significance. Algorithms developed to predict the effect of missense changes on protein structure and function output the following: SIFT: "Tolerated"; PolyPhen-2: "Benign"; Align-GVGD: "Class C0". The lysine amino acid residue is found in multiple mammalian species, suggesting that this missense change does not adversely affect protein function. These predictions have not been confirmed by published functional studies and their clinical significance is uncertain. This variant has not been reported in the literature in individuals with FANCM-related conditions. This variant is not present in population databases (ExAC no frequency). This sequence change replaces glutamic acid with lysine at codon 648 of the FANCM protein (p.Glu648Lys). The glutamic acid residue is moderately conserved and there is a small physicochemical difference between glutamic acid and lysine.

NM_020937.4(FANCM):c.1942G>A (p.Glu648Lys)

Gene: FANCM (FA complementation group M; plus strand). Cytogenetic location: 14q21.2.
Variant type: single nucleotide variant.
Coding change: c.1942G>A on transcript NM_020937.4 (MANE Select); coding-DNA position 1942, G replaced by A.
Protein change: p.Glu648Lys; replaces glutamic acid 648 with lysine.
Molecular consequence: missense variant.
Genome position (GRCh38, 1-based): chr14:45,167,103, G>A. VCF-style: chr14-45167103-G-A. GRCh37 (hg19) VCF-style: chr14-45636306-G-A.
Other names: c.1864G>A, p.Glu622Lys (NM_001308133.2); c.1942G>A, p.Glu648Lys (NM_001308134.2); c.1942G>A (NM_020937.2); short protein forms E622K, E648K.
Identifiers: ClinVar variation 1411021 (VCV001411021.9), dbSNP rs2139215069, ClinGen allele CA389595109.